The following is an entry in ClinVar:

ClinVar aggregate classification (germline): Uncertain significance (1 of 4 stars; one submission).

Allele frequency attached by ClinVar (database versions not stated): gnomAD exomes below 0.00001 and 0.00002; TOPMed below 0.00001; ExAC 0.00001; gnomAD 0.00001.
gnomAD v4.1: 5 of 1,612,332 alleles (0.00031%); highest among the groups gnomAD compares: East Asian, 0.0089%; no homozygotes.

Submission:

Labcorp Genetics (formerly Invitae), Labcorp
Classification: Uncertain significance. Last evaluated: 2022-08-09. Review status: criteria provided, single submitter. Criteria: Invitae Variant Classification Sherloc (09022015). Collection method: clinical testing. Allele origin: germline.
Comment: This sequence change replaces aspartic acid, which is acidic and polar, with glycine, which is neutral and non-polar, at codon 10 of the PDZD7 protein (p.Asp10Gly). This variant is present in population databases (rs779930368, gnomAD 0.03%). This variant has not been reported in the literature in individuals affected with PDZD7-related conditions. ClinVar contains an entry for this variant (Variation ID: 1469710). Algorithms developed to predict the effect of missense changes on protein structure and function are either unavailable or do not agree on the potential impact of this missense change (SIFT: "Deleterious"; PolyPhen-2: "Not Available"; Align-GVGD: "Class C0"). In summary, the available evidence is currently insufficient to determine the role of this variant in disease. Therefore, it has been classified as a Variant of Uncertain Significance.

NM_001195263.2(PDZD7):c.29A>G (p.Asp10Gly)

Gene: PDZD7 (PDZ domain containing 7; minus strand). Cytogenetic location: 10q24.31.
Variant type: single nucleotide variant.
Coding change: c.29A>G on transcript NM_001195263.2 (MANE Select); coding-DNA position 29, A replaced by G.
Protein change: p.Asp10Gly; replaces aspartic acid 10 with glycine.
Molecular consequence: missense variant.
Genome position (GRCh38, 1-based): chr10:101,030,191, T>C on the plus strand (A>G on the coding strand, the complement: PDZD7 is on the minus strand). VCF-style: chr10-101030191-T-C. GRCh37 (hg19) VCF-style: chr10-102789948-T-C.
Other names: c.29A>G, p.Asp10Gly (NM_001351044.2, NM_024895.5); short protein forms D10G.
Identifiers: ClinVar variation 1469710 (VCV001469710.5), dbSNP rs779930368, ClinGen allele CA5654523.